The following is an entry in ClinVar:

NM_007129.5(ZIC2):c.1114C>T (p.Arg372Trp)

Gene: ZIC2 (Zic family zinc finger 2; plus strand). Cytogenetic location: 13q32.3.
Variant type: single nucleotide variant.
Coding change: c.1114C>T on transcript NM_007129.5 (MANE Select); coding-DNA position 1114, C replaced by T.
Protein change: p.Arg372Trp; replaces arginine 372 with tryptophan.
Molecular consequence: missense variant.
Genome position (GRCh38, 1-based): chr13:99,984,984, C>T. VCF-style: chr13-99984984-C-T. GRCh37 (hg19) VCF-style: chr13-100637238-C-T.
Other names: short protein forms R372W.
Identifiers: ClinVar variation 4690168 (VCV004690168.1).
Genomic context (GRCh38, chr13:99,984,984, plus strand): 5'-CGCCGATGTTTGCCGTCCACAGGGGAGAAGCCGTTCCAGTGTGAGTTTGAGGGCTGCGAC[C>T]GGCGCTTCGCCAACAGCAGCGACAGGAAGAAGCACATGCACGTCCACACCTCCGATAAGC-3'
Protein context (NP_009060.2, residues 362-382): PFQCEFEGCD[Arg372Trp]RFANSSDRKK

ClinVar aggregate classification (germline): Uncertain significance (1 of 4 stars; one submission).

Submission:

GeneDx
Classification: Uncertain significance. Last evaluated: 2025-08-01. Review status: criteria provided, single submitter. Criteria: GeneDx Variant Classification Process June 2021. Collection method: clinical testing. Allele origin: germline. Affected: yes.
Comment: Not observed at significant frequency in large population cohorts (gnomAD); In silico analysis supports that this missense variant has a deleterious effect on protein structure/function; Has not been previously published as pathogenic or benign to our knowledge